The following is an entry in ClinVar:

ClinVar aggregate classification (germline): Uncertain significance. Review status: criteria provided, multiple submitters, no conflicts (2 of 4 stars). 2 submissions from 2 submitters: Uncertain significance (2). Last evaluated 2024-03-26.

Conditions:
Aortic valve disease 2 (AOVD2). Identifiers: MedGen C3542024, MONDO:0013902, OMIM 614823.
Holt-Oram syndrome (HOS). Also called: Ventriculo-radial syndrome; Cardiac-limb syndrome; Heart-hand syndrome, type 1; TBX5-Related Holt-Oram Syndrome. Identifiers: Orphanet 392, MedGen C0265264, MONDO:0007732, OMIM 142900.

Submissions (2):

Revvity Omics, Revvity
Classification: Uncertain significance for Holt-Oram syndrome. Last evaluated: 2024-03-26. Review status: criteria provided, single submitter. Criteria: ACMG Guidelines, 2015. Collection method: clinical testing. Allele origin: germline.

Labcorp Genetics (formerly Invitae), Labcorp
Classification: Uncertain significance for Aortic valve disease 2. Last evaluated: 2024-02-20. Review status: criteria provided, single submitter. Criteria: Invitae Variant Classification Sherloc (09022015). Collection method: clinical testing. Allele origin: germline.
Comment: This sequence change replaces threonine, which is neutral and polar, with proline, which is neutral and non-polar, at codon 223 of the TBX5 protein (p.Thr223Pro). This variant is not present in population databases (gnomAD no frequency). This variant has not been reported in the literature in individuals affected with TBX5-related conditions. Advanced modeling of protein sequence and biophysical properties (such as structural, functional, and spatial information, amino acid conservation, physicochemical variation, residue mobility, and thermodynamic stability) has been performed at Invitae for this missense variant, however the output from this modeling did not meet the statistical confidence thresholds required to predict the impact of this variant on TBX5 protein function. This variant disrupts the p.Thr223 amino acid residue in TBX5. Other variant(s) that disrupt this residue have been determined to be pathogenic (PMID: 12789647, 16183809). This suggests that this residue is clinically significant, and that variants that disrupt this residue are likely to be disease-causing. In summary, the available evidence is currently insufficient to determine the role of this variant in disease. Therefore, it has been classified as a Variant of Uncertain Significance.

Literature cited by the submitters: PubMed 12789647 (cited by Labcorp Genetics (formerly Invitae), Labcorp); PubMed 16183809 (cited by Labcorp Genetics (formerly Invitae), Labcorp).

NM_181486.4(TBX5):c.667A>C (p.Thr223Pro)

Gene: TBX5 (T-box transcription factor 5; minus strand). Cytogenetic location: 12q24.21.
Variant type: single nucleotide variant.
Coding change: c.667A>C on transcript NM_181486.4 (MANE Select); coding-DNA position 667, A replaced by C.
Protein change: p.Thr223Pro; replaces threonine 223 with proline.
Molecular consequence: missense variant.
Genome position (GRCh38, 1-based): chr12:114,385,564, T>G on the plus strand (A>C on the coding strand, the complement: TBX5 is on the minus strand). VCF-style: chr12-114385564-T-G. GRCh37 (hg19) VCF-style: chr12-114823369-T-G.
Other names: c.667A>C, p.Thr223Pro (NM_000192.3); c.517A>C, p.Thr173Pro (NM_080717.4); short protein forms T173P, T223P.
Identifiers: ClinVar variation 3638974 (VCV003638974.3).